The following is an entry in ClinVar:

ClinVar aggregate classification (germline): Pathogenic (1 of 4 stars; one submission).

Submission:

Clinical Genomics Laboratory, Laboratory for Precision Diagnostics, University of Washington
Classification: Pathogenic. Last evaluated: 2019-10-30. Review status: criteria provided, single submitter. Criteria: Clinical Cytogenomics Laboratory Policy on CNV Interpretation. Collection method: clinical testing. Allele origin: unknown. Affected: yes. Observed: 1 variant allele.
Comment: Low penetrance and variable expressivity

Literature cited by the submitters: PubMed 28387067; PubMed 21841781; PubMed 25689425; PubMed 23258348; PubMed 25596525; PubMed 25946043.

GRCh37/hg19 15q11.2(chr15:22750305-23222284)x1

Genes: CYFIP1 (cytoplasmic FMR1 interacting protein 1; minus strand), NIPA1 (NIPA magnesium transporter 1; plus strand), NIPA2 (NIPA magnesium transporter 2; plus strand), TUBGCP5 (tubulin gamma complex component 5; minus strand). Cytogenetic location: 15q11.2.
Variant type: copy number loss.
Change: copy number 1 (one copy instead of two) of chr15:22,750,305-23,222,284 (472.0 kb, GRCh37 coordinates, 1-based), cytogenetic band 15q11.2.
Identifiers: ClinVar variation 929829 (VCV000929829.2).